The following is an entry in ClinVar:

ClinVar aggregate classification (germline): Uncertain significance (1 of 4 stars; one submission).

Conditions:
CREBBP-related disorder. Also called: CREBBP-related disorders; CREBBP-related condition.

gnomAD v4.1: 1 of 1,613,074 alleles (0.000062%); highest among the groups gnomAD compares: Non-Finnish European, 0.000085%; no homozygotes.

Submission:

PreventionGenetics, part of Exact Sciences
Classification: Uncertain significance for CREBBP-related condition. Last evaluated: 2025-08-06. Review status: criteria provided, single submitter. Criteria: ACMG Guidelines, 2015. Collection method: clinical testing. Allele origin: germline.
Comment: The CREBBP c.982A>G variant is predicted to result in the amino acid substitution p.Met328Val. To our knowledge, this variant has not been reported in the literature or in a large population database (gnomAD), indicating this variant is rare. At this time, the clinical significance of this variant is uncertain due to the absence of conclusive functional and genetic evidence.

NM_004380.3(CREBBP):c.982A>G (p.Met328Val)

Gene: CREBBP (CREB binding lysine acetyltransferase; minus strand). Cytogenetic location: 16p13.3.
Variant type: single nucleotide variant.
Coding change: c.982A>G on transcript NM_004380.3 (MANE Select); coding-DNA position 982, A replaced by G.
Protein change: p.Met328Val; replaces methionine 328 with valine.
Molecular consequence: missense variant.
Genome position (GRCh38, 1-based): chr16:3,793,620, T>C on the plus strand (A>G on the coding strand, the complement: CREBBP is on the minus strand). VCF-style: chr16-3793620-T-C. GRCh37 (hg19) VCF-style: chr16-3843621-T-C.
Other names: c.982A>G, p.Met328Val (NM_001079846.1); short protein forms M328V.
Identifiers: ClinVar variation 5001799 (VCV005001799.1).